The following is an entry in ClinVar:

ClinVar aggregate classification (germline): Uncertain significance. Review status: criteria provided, multiple submitters, no conflicts (2 of 4 stars). 3 submissions from 3 submitters: Uncertain significance (3). Last evaluated 2026-02-01.

Conditions:
Epidermolysis bullosa simplex 5C, with pyloric atresia (EBS5C). Also called: PLEC1-Related Epidermolysis Bullosa with Pyloric Atresia; Epidermolysis bullosa simplex with pyloric atresia; PLEC-Related Epidermolysis Bullosa with Pyloric Atresia. Identifiers: Orphanet 158684, MedGen C2677349, MONDO:0012807, OMIM 612138.
Epidermolysis bullosa simplex with nail dystrophy (EBS5D). Identifiers: MedGen C4225309, MONDO:0014661, OMIM 616487.
Epidermolysis bullosa simplex 5B, with muscular dystrophy (EBS5B). Also called: EPIDERMOLYSIS BULLOSA SIMPLEX AND LIMB-GIRDLE MUSCULAR DYSTROPHY; Epidermolysis bullosa simplex with muscular dystrophy. Identifiers: Orphanet 257, MedGen C2931072, MONDO:0009181, OMIM 226670.
Epidermolysis bullosa simplex, Ogna type (EBS5A). Also called: Pidermolysis bullosa simplex 5A, Ogna type; EPIDERMOLYSIS BULLOSA SIMPLEX 5A, OGNA TYPE. Identifiers: Orphanet 79401, MedGen C0432317, MONDO:0007555, OMIM 131950.
Autosomal recessive limb-girdle muscular dystrophy type 2Q (LGMDR17). Also called: MUSCULAR DYSTROPHY, LIMB-GIRDLE, AUTOSOMAL RECESSIVE 17. Identifiers: Orphanet 254361, MedGen C3150989, MONDO:0013390, OMIM 613723.
Inborn genetic diseases. Identifiers: MedGen C0950123, MeSH D030342.

Allele frequency attached by ClinVar (database versions not stated): gnomAD exomes 0.00002 and 0.00009; gnomAD 0.00003 and 0.00004; TOPMed 0.00004; ExAC 0.00006.
gnomAD v4.1: 41 of 1,613,466 alleles (0.0025%); highest among the groups gnomAD compares: Admixed American, 0.037%; no homozygotes.

Submissions (3):

Labcorp Genetics (formerly Invitae), Labcorp
Classification: Uncertain significance for Autosomal recessive limb-girdle muscular dystrophy type 2Q; Epidermolysis bullosa simplex, Ogna type; Epidermolysis bullosa simplex with nail dystrophy; Epidermolysis bullosa simplex 5C, with pyloric atresia; Epidermolysis bullosa simplex 5B, with muscular dystrophy. Last evaluated: 2026-02-01. Review status: criteria provided, single submitter. Criteria: Invitae Variant Classification Sherloc (09022015). Collection method: clinical testing. Allele origin: germline.
Comment: This sequence change replaces arginine, which is basic and polar, with histidine, which is basic and polar, at codon 2474 of the PLEC protein (p.Arg2474His). This variant is present in population databases (rs370145018, gnomAD 0.06%). This variant has not been reported in the literature in individuals affected with PLEC-related conditions. ClinVar contains an entry for this variant (Variation ID: 834505). An algorithm developed to predict the effect of missense changes on protein structure and function (PolyPhen-2) suggests that this variant is likely to be disruptive. In summary, the available evidence is currently insufficient to determine the role of this variant in disease. Therefore, it has been classified as a Variant of Uncertain Significance.

Ambry Genetics
Classification: Uncertain significance for Inborn genetic diseases. Last evaluated: 2024-06-04. Review status: criteria provided, single submitter. Criteria: Ambry Variant Classification Scheme 2023. Collection method: clinical testing. Allele origin: germline.

Revvity Omics, Revvity
Classification: Uncertain significance. Last evaluated: 2019-09-05. Review status: criteria provided, single submitter. Criteria: ACMG Guidelines, 2015. Collection method: clinical testing. Allele origin: germline.

NM_201384.3(PLEC):c.7340G>A (p.Arg2447His)

Gene: PLEC (plectin; minus strand). Cytogenetic location: 8q24.3.
Variant type: single nucleotide variant.
Coding change: c.7340G>A on transcript NM_201384.3 (MANE Select); coding-DNA position 7340, G replaced by A.
Protein change: p.Arg2447His; replaces arginine 2447 with histidine.
Molecular consequence: missense variant.
Genome position (GRCh38, 1-based): chr8:143,922,589, C>T on the plus strand (G>A on the coding strand, the complement: PLEC is on the minus strand). VCF-style: chr8-143922589-C-T. GRCh37 (hg19) VCF-style: chr8-144996757-C-T.
Other names: c.7421G>A (NM_000445.3); c.7421G>A, p.Arg2474His (NM_000445.5); c.7298G>A, p.Arg2433His (NM_201378.4); c.7274G>A, p.Arg2425His (NM_201379.3); c.7751G>A, p.Arg2584His (NM_201380.4); c.7244G>A, p.Arg2415His (NM_201381.3); c.7340G>A, p.Arg2447His (NM_201382.4); c.7352G>A, p.Arg2451His (NM_201383.3); short protein forms R2415H, R2447H, R2425H, R2451H, R2584H, R2433H, R2474H.
Identifiers: ClinVar variation 834505 (VCV000834505.15), dbSNP rs370145018, ClinGen allele CA4925683.
Genomic context (GRCh38, chr8:143,922,589, plus strand): 5'-TTGGCCTCCTGTTGGAGCTTCTCCTTCTCACGCTCCAGCTCAGCGATGGCCTCCCGCAGG[C>T]GCTCGGCATCATGGTCACTCTGCTGTCGCTGGATCTCCAGTGTCTGCACCAGGGTCACCT-3'
Protein context (NP_958786.1, residues 2437-2457): QRQQSDHDAE[Arg2447His]LREAIAELER